The following is an entry in ClinVar:

NM_001024630.4(RUNX2):c.*1859A>G

Gene: RUNX2 (RUNX family transcription factor 2; plus strand). Cytogenetic location: 6p21.1.
Variant type: single nucleotide variant.
Coding change: c.*1859A>G on transcript NM_001024630.4 (MANE Select); 1859 bases downstream of the stop codon, A replaced by G.
Molecular consequence: 3 prime UTR variant.
Genome position (GRCh38, 1-based): chr6:45,549,164, A>G. VCF-style: chr6-45549164-A-G. GRCh37 (hg19) VCF-style: chr6-45516901-A-G.
Other names: c.*1859A>G (NM_001015051.4, NM_001278478.2, NM_001369405.1).
Identifiers: ClinVar variation 357119 (VCV000357119.5), dbSNP rs115078186, ClinGen allele CA10624175.

ClinVar aggregate classification (germline): Benign (1 of 4 stars; one submission).

Conditions:
Cleidocranial dysostosis (CLCD1). Also called: cleidocranial dysplasia 1; Marie-Sainton disease; Cleidocranial Dysplasia Spectrum Disorder. Identifiers: Orphanet 1452, MedGen C0008928, MONDO:0007340, OMIM 119600.

Allele frequency attached by ClinVar (database versions not stated): gnomAD exomes 0.00110; gnomAD 0.00769 and 0.00826; TOPMed 0.00912; 1000 Genomes Project 0.00958; 1000 Genomes Project 30x 0.01062.
gnomAD v4.1: 1,463 of 398,506 alleles (0.37%); highest among the groups gnomAD compares: African/African-American, 2.7%; 21 homozygotes.

Submission:

Illumina Laboratory Services, Illumina
Classification: Benign for Cleidocranial dysostosis. Last evaluated: 2018-01-13. Review status: criteria provided, single submitter. Criteria: ICSL Variant Classification Criteria 13 December 2019. Collection method: clinical testing. Allele origin: germline.
Comment: This variant was observed in the ICSL laboratory as part of a predisposition screen in an ostensibly healthy population. It had not been previously curated by ICSL or reported in the Human Gene Mutation Database (HGMD: prior to June 1st, 2018), and was therefore a candidate for classification through an automated scoring system. Utilizing variant allele frequency, disease prevalence and penetrance estimates, and inheritance mode, an automated score was calculated to assess if this variant is too frequent to cause the disease. Based on the score and internal cut-off values, a variant classified as benign is not then subjected to further curation. The score for this variant resulted in a classification of benign for this disease.